The following is an entry in ClinVar:

NM_206937.2(LIG4):c.15A>T (p.Gln5His)

Gene: LIG4 (DNA ligase 4; minus strand). Cytogenetic location: 13q33.3.
Variant type: single nucleotide variant.
Coding change: c.15A>T on transcript NM_206937.2 (MANE Select); coding-DNA position 15, A replaced by T.
Protein change: p.Gln5His; replaces glutamine 5 with histidine.
Molecular consequence: missense variant. On other transcripts: intron variant (2).
Genome position (GRCh38, 1-based): chr13:108,211,254, T>A on the plus strand (A>T on the coding strand, the complement: LIG4 is on the minus strand). VCF-style: chr13-108211254-T-A. GRCh37 (hg19) VCF-style: chr13-108863602-T-A.
Other names: c.15A>T, p.Gln5His (NM_001352603.1, NM_001379095.1, NM_002312.3 and 6 more transcripts); c.-149-38A>T (NM_001330595.2); c.89-38A>T (NM_001352604.2); short protein forms Q5H.
Identifiers: ClinVar variation 1436686 (VCV001436686.8), dbSNP rs1878635695, ClinGen allele CA388624858.

ClinVar aggregate classification (germline): Uncertain significance (1 of 4 stars; one submission).

Conditions:
DNA ligase IV deficiency. Identifiers: Orphanet 99812, MedGen C1847827, MONDO:0011686, OMIM 606593.

Submission:

Labcorp Genetics (formerly Invitae), Labcorp
Classification: Uncertain significance for DNA ligase IV deficiency. Last evaluated: 2021-07-27. Review status: criteria provided, single submitter. Criteria: Invitae Variant Classification Sherloc (09022015). Collection method: clinical testing. Allele origin: germline.
Comment: In summary, the available evidence is currently insufficient to determine the role of this variant in disease. Therefore, it has been classified as a Variant of Uncertain Significance. Algorithms developed to predict the effect of missense changes on protein structure and function output the following: SIFT: "Tolerated"; PolyPhen-2: "Benign"; Align-GVGD: "Class C0". The histidine amino acid residue is found in multiple mammalian species, which suggests that this missense change does not adversely affect protein function. This variant has not been reported in the literature in individuals affected with LIG4-related conditions. This variant is not present in population databases (ExAC no frequency). This sequence change replaces glutamine with histidine at codon 5 of the LIG4 protein (p.Gln5His). The glutamine residue is weakly conserved and there is a small physicochemical difference between glutamine and histidine.